The following is an entry in ClinVar:

NM_003619.4(PRSS12):c.1917-1G>C

Gene: PRSS12 (serine protease 12; minus strand). Cytogenetic location: 4q26.
Variant type: single nucleotide variant.
Coding change: c.1917-1G>C on transcript NM_003619.4 (MANE Select); the canonical splice acceptor site of the intron before coding-DNA position 1917, G replaced by C.
Molecular consequence: splice acceptor variant.
Genome position (GRCh38, 1-based): chr4:118,295,062, C>G on the plus strand (G>C on the coding strand, the complement: PRSS12 is on the minus strand). VCF-style: chr4-118295062-C-G. GRCh37 (hg19) VCF-style: chr4-119216217-C-G.
Identifiers: ClinVar variation 2637652 (VCV002637652.1), dbSNP rs1054293043, ClinGen allele CA358010026.
Genomic context (GRCh38, chr4:118,295,062, plus strand): 5'-AGCCTGCCATCTCCATGGGATGACTTCAGCCGGAGGGAAACCTGCCAAGGCCAACCACCC[C>G]TAAGAAGAAAATGAGCTACACATCAACGTCAGTAAAAGGCAAAAAAGCAAAGGAAAGCAC-3'

ClinVar aggregate classification (germline): Uncertain significance (1 of 4 stars; one submission).

Allele frequency attached by ClinVar (database versions not stated): TOPMed below 0.00001.

Submission:

Women's Health and Genetics/Laboratory Corporation of America, LabCorp
Classification: Uncertain significance. Last evaluated: 2023-10-10. Review status: criteria provided, single submitter. Criteria: LabCorp Variant Classification Summary - May 2015. Collection method: clinical testing. Allele origin: germline.
Comment: Variant summary: PRSS12 c.1917-1G>C is located in a canonical splice-site and is predicted to affect mRNA splicing resulting in a significantly altered protein due to either exon skipping, shortening, or inclusion of intronic material. Several computational tools predict a significant impact on normal splicing: Four predict the variant abolishes a 3' acceptor site. However, these predictions have yet to be confirmed by functional studies. The variant was absent in 250516 control chromosomes. The available data on variant occurrences in the general population are insufficient to allow any conclusion about variant significance. To our knowledge, no occurrence of c.1917-1G>C in individuals affected with Intellectual Disability, Autosomal Recessive 1 and no experimental evidence demonstrating its impact on protein function have been reported. No submitters have cited clinical-significance assessments for this variant to ClinVar after 2014. Based on the evidence outlined above, the variant was classified as uncertain significance.